The following is an entry in ClinVar:

ClinVar aggregate classification (germline): Pathogenic. Review status: criteria provided, multiple submitters, no conflicts (2 of 4 stars). 2 submissions from 2 submitters: Pathogenic (2). Last evaluated 2025-12-02.

Conditions:
Neurofibromatosis, type 1 (NF1). Also called: Peripheral type neurofibromatosis; VON RECKLINGHAUSEN DISEASE; Neurofibromatosis, type I; NEUROFIBROMATOSIS, TYPE I, SOMATIC. Identifiers: Orphanet 636, MedGen C0027831, MONDO:0018975, OMIM 162200. Disease mechanism: loss of function.
Cardiovascular phenotype. Identifiers: MedGen CN230736.
Hereditary cancer-predisposing syndrome. Also called: Hereditary neoplastic syndrome; Hereditary Cancer Syndrome; Neoplastic Syndromes, Hereditary; Tumor predisposition. Identifiers: Orphanet 140162, MedGen C0027672, MeSH D009386, MONDO:0015356.

Submissions (2):

Ambry Genetics
Classification: Pathogenic for Cardiovascular phenotype; Hereditary cancer-predisposing syndrome. Last evaluated: 2025-12-02. Review status: criteria provided, single submitter. Criteria: Ambry Variant Classification Scheme 2023. Collection method: clinical testing. Allele origin: germline.
Comment: The c.962dupC pathogenic mutation, located in coding exon 9 of the NF1 gene, results from a duplication of C at nucleotide position 962, causing a translational frameshift with a predicted alternate stop codon (p.I322Nfs*8). This variant was reported in individual(s) with features consistent with neurofibromatosis type 1 (NF1) (Ambry internal data). This variant is considered to be rare based on population cohorts in the Genome Aggregation Database (gnomAD). This alteration is expected to result in loss of function by premature protein truncation or nonsense-mediated mRNA decay. As such, this alteration is interpreted as a disease-causing mutation.

Labcorp Genetics (formerly Invitae), Labcorp
Classification: Pathogenic for Neurofibromatosis, type 1. Last evaluated: 2024-04-30. Review status: criteria provided, single submitter. Criteria: Invitae Variant Classification Sherloc (09022015). Collection method: clinical testing. Allele origin: germline.
Comment: This sequence change creates a premature translational stop signal (p.Ile322Asnfs*8) in the NF1 gene. It is expected to result in an absent or disrupted protein product. Loss-of-function variants in NF1 are known to be pathogenic (PMID: 10712197, 23913538). This variant is not present in population databases (gnomAD no frequency). This variant has not been reported in the literature in individuals affected with NF1-related conditions. Algorithms developed to predict the effect of sequence changes on RNA splicing suggest that this variant may disrupt the consensus splice site. For these reasons, this variant has been classified as Pathogenic.

Literature cited by the submitters: PubMed 10712197 (cited by Labcorp Genetics (formerly Invitae), Labcorp); PubMed 23913538 (cited by Labcorp Genetics (formerly Invitae), Labcorp).

NM_001042492.3(NF1):c.962dup (p.Ile322fs)

Gene: NF1 (neurofibromin 1; plus strand). Cytogenetic location: 17q11.2.
Variant type: Duplication.
Coding change: c.962dup on transcript NM_001042492.3 (MANE Select); coding-DNA position 962, one base duplicated (C; older notation c.962dupC).
Protein change: p.Ile322fs; shifts the reading frame from isoleucine 322.
Molecular consequence: frameshift variant.
Genome position (GRCh38, 1-based): chr17:31,200,495, C duplicated. VCF-style (leftmost placement, unchanged base first): chr17-31200494-G-GC. GRCh37 (hg19) VCF-style: chr17-29527512-G-GC.
Other names: c.962dup, p.Ile322Asnfs (NM_000267.4); c.962dup, p.Ile322fs (NM_001128147.3); c.962dupC (NM_000267.3); short protein forms I322fs.
Identifiers: ClinVar variation 3651626 (VCV003651626.3).
Genomic context (GRCh38, chr17:31,200,494, plus strand): 5'-GACAGTCTACGAAAAGCTCTTGCTGGCCATGGAGGAAGTAGGCAGCTGACAGAAAGTGCT[G>GC]CAATTGCCTGTGTCAAACTGTGTAAAGCAAGTACTTACATCAATTGGGAAGATAACTCTG-3'